The following is an entry in ClinVar:

NM_183381.3(RNF13):c.401C>T (p.Ser134Phe)

Gene: RNF13 (ring finger protein 13; plus strand). Cytogenetic location: 3q25.1.
Variant type: single nucleotide variant.
Coding change: c.401C>T on transcript NM_183381.3 (MANE Select); coding-DNA position 401, C replaced by T.
Protein change: p.Ser134Phe; replaces serine 134 with phenylalanine.
Molecular consequence: missense variant. On other transcripts: non-coding transcript variant (1).
Genome position (GRCh38, 1-based): chr3:149,895,552, C>T. VCF-style: chr3-149895552-C-T. GRCh37 (hg19) VCF-style: chr3-149613339-C-T.
Other names: c.401C>T, p.Ser134Phe (NM_001378285.1, NM_001378286.1, NM_007282.4); c.34C>T, p.Pro12Ser (NM_001378287.1, NM_001378288.1, NM_001378289.1 and 2 more transcripts); c.8C>T, p.Ser3Phe (NM_001378291.1); short protein forms P12S, S134F, S3F.
Identifiers: ClinVar variation 3607243 (VCV003607243.2).

ClinVar aggregate classification (germline): Uncertain significance (1 of 4 stars; one submission).

Submission:

Labcorp Genetics (formerly Invitae), Labcorp
Classification: Uncertain significance. Last evaluated: 2024-02-23. Review status: criteria provided, single submitter. Criteria: Invitae Variant Classification Sherloc (09022015). Collection method: clinical testing. Allele origin: germline.
Comment: This sequence change replaces serine, which is neutral and polar, with phenylalanine, which is neutral and non-polar, at codon 134 of the RNF13 protein (p.Ser134Phe). This variant is not present in population databases (gnomAD no frequency). This variant has not been reported in the literature in individuals affected with RNF13-related conditions. Advanced modeling of protein sequence and biophysical properties (such as structural, functional, and spatial information, amino acid conservation, physicochemical variation, residue mobility, and thermodynamic stability) performed at Invitae indicates that this missense variant is not expected to disrupt RNF13 protein function with a negative predictive value of 80%. In summary, the available evidence is currently insufficient to determine the role of this variant in disease. Therefore, it has been classified as a Variant of Uncertain Significance.